The following is an entry in ClinVar:

ClinVar aggregate classification (germline): Uncertain significance (1 of 4 stars; one submission).

Conditions:
Charcot-Marie-Tooth disease type 4. Also called: Charcot-Marie-Tooth disease, type IV; Charcot-Marie-Tooth, Type 4. Identifiers: Orphanet 64749, MedGen C4082197, MONDO:0018995.

Submission:

Labcorp Genetics (formerly Invitae), Labcorp
Classification: Uncertain significance for Charcot-Marie-Tooth disease type 4. Last evaluated: 2020-12-12. Review status: criteria provided, single submitter. Criteria: Invitae Variant Classification Sherloc (09022015). Collection method: clinical testing. Allele origin: germline.
Comment: In summary, the available evidence is currently insufficient to determine the role of this variant in disease. Therefore, it has been classified as a Variant of Uncertain Significance. Algorithms developed to predict the effect of sequence changes on RNA splicing suggest that this variant may create or strengthen a splice site, but this prediction has not been confirmed by published transcriptional studies. Algorithms developed to predict the effect of missense changes on protein structure and function (SIFT, PolyPhen-2, Align-GVGD) all suggest that this variant is likely to be tolerated, but these predictions have not been confirmed by published functional studies and their clinical significance is uncertain. This variant has not been reported in the literature in individuals with FIG4-related conditions. This variant is not present in population databases (ExAC no frequency). This sequence change replaces lysine with arginine at codon 425 of the FIG4 protein (p.Lys425Arg). The lysine residue is moderately conserved and there is a small physicochemical difference between lysine and arginine.

NM_014845.6(FIG4):c.1274A>G (p.Lys425Arg)

Gene: FIG4 (FIG4 phosphoinositide 5-phosphatase; plus strand). Cytogenetic location: 6q21.
Variant type: single nucleotide variant.
Coding change: c.1274A>G on transcript NM_014845.6 (MANE Select); coding-DNA position 1274, A replaced by G.
Protein change: p.Lys425Arg; replaces lysine 425 with arginine.
Molecular consequence: missense variant.
Genome position (GRCh38, 1-based): chr6:109,762,093, A>G. VCF-style: chr6-109762093-A-G. GRCh37 (hg19) VCF-style: chr6-110083296-A-G.
Other names: short protein forms K425R.
Identifiers: ClinVar variation 1366600 (VCV001366600.8), dbSNP rs2128391428, ClinGen allele CA365226029.